The following is an entry in ClinVar:

ClinVar aggregate classification (germline): Pathogenic (1 of 4 stars; one submission).

Conditions:
Lynch syndrome 5 (LYNCH5). Also called: Colorectal cancer, hereditary nonpolyposis, type 5; Hereditary non-polyposis colorectal cancer, type 5. Identifiers: Orphanet 144, MedGen C1833477, MONDO:0013710, OMIM 614350. Disease mechanism: loss of function.

Submission:

Myriad Genetics, Inc.
Classification: Pathogenic for Lynch syndrome 5. Last evaluated: 2025-03-17. Review status: criteria provided, single submitter. Criteria: Myriad Autosomal Dominant, Autosomal Recessive and X-Linked Classification Criteria (2023). Collection method: clinical testing. Allele origin: unknown.
Comment: This variant is considered pathogenic. This variant creates a frameshift predicted to result in premature protein truncation.

NM_000179.3(MSH6):c.3488_3492del (p.Glu1163fs)

Gene: MSH6 (mutS homolog 6; plus strand). Cytogenetic location: 2p16.3.
Variant type: Deletion.
Coding change: c.3488_3492del on transcript NM_000179.3 (MANE Select); coding-DNA positions 3488 to 3492, 5 bases deleted (AAGTG; older notation c.3488_3492delAAGTG).
Protein change: p.Glu1163fs; shifts the reading frame from glutamic acid 1163.
Molecular consequence: frameshift variant. On other transcripts: non-coding transcript variant (4).
Genome position (GRCh38, 1-based): chr2:47,804,959-47,804,963, AAGTG deleted; deleting any 5 consecutive bases within chr2:47,804,957-47,804,963 gives the same sequence; the c. name uses the placement nearest the transcript's 3' end. VCF-style (leftmost placement, unchanged base first): chr2-47804956-CTGAAG-C. GRCh37 (hg19) VCF-style: chr2-48032095-CTGAAG-C.
Other names: c.3098_3102del, p.Glu1033fs (NM_001281492.2); c.2582_2586del, p.Glu861fs (NM_001281493.2, NM_001281494.2, NM_001406811.1 and 6 more transcripts); c.3584_3588del, p.Glu1195fs (NM_001406795.1, NM_001406802.1); c.3488_3492del, p.Glu1163fs (NM_001406796.1, NM_001406800.1, NM_001406808.1 and 1 more transcripts); c.3191_3195del, p.Glu1064fs (NM_001406797.1, NM_001406801.1, NM_001406805.1 and 10 more transcripts); c.3314_3318del, p.Glu1105fs (NM_001406798.1); c.2963_2967del, p.Glu988fs (NM_001406799.1, NM_001406806.1, NM_001406807.1); c.2624_2628del, p.Glu875fs (NM_001406803.1); and 7 more; short protein forms E1033fs, E1064fs, E1105fs, E1107fs, E112fs, E1137fs, E1163fs, E1165fs.
Identifiers: ClinVar variation 3904741 (VCV003904741.1).